The following is an entry in ClinVar:

ClinVar aggregate classification (germline): Uncertain significance (1 of 4 stars; one submission).

gnomAD v4.1: 9 of 1,614,226 alleles (0.00056%); highest among the groups gnomAD compares: Admixed American, 0.0033%; no homozygotes.

Submission:

Labcorp Genetics (formerly Invitae), Labcorp
Classification: Uncertain significance. Last evaluated: 2024-02-22. Review status: criteria provided, single submitter. Criteria: Invitae Variant Classification Sherloc (09022015). Collection method: clinical testing. Allele origin: germline.
Comment: This sequence change replaces arginine, which is basic and polar, with histidine, which is basic and polar, at codon 95 of the ACO2 protein (p.Arg95His). This variant is present in population databases (rs760882521, gnomAD 0.006%). This variant has not been reported in the literature in individuals affected with ACO2-related conditions. Advanced modeling of protein sequence and biophysical properties (such as structural, functional, and spatial information, amino acid conservation, physicochemical variation, residue mobility, and thermodynamic stability) performed at Invitae indicates that this missense variant is expected to disrupt ACO2 protein function with a positive predictive value of 80%. In summary, the available evidence is currently insufficient to determine the role of this variant in disease. Therefore, it has been classified as a Variant of Uncertain Significance.

NM_001098.3(ACO2):c.284G>A (p.Arg95His)

Gene: ACO2 (aconitase 2; plus strand). Cytogenetic location: 22q13.2.
Variant type: single nucleotide variant.
Coding change: c.284G>A on transcript NM_001098.3 (MANE Select); coding-DNA position 284, G replaced by A.
Protein change: p.Arg95His; replaces arginine 95 with histidine.
Molecular consequence: missense variant.
Genome position (GRCh38, 1-based): chr22:41,507,901, G>A. VCF-style: chr22-41507901-G-A. GRCh37 (hg19) VCF-style: chr22-41903905-G-A.
Other names: short protein forms R95H.
Identifiers: ClinVar variation 3615824 (VCV003615824.2).